The following is an entry in ClinVar:

ClinVar aggregate classification (germline): Uncertain significance (1 of 4 stars; one submission).

Conditions:
Hereditary cancer-predisposing syndrome. Also called: Neoplastic Syndromes, Hereditary; Tumor predisposition; Hereditary Cancer Syndrome; Hereditary neoplastic syndrome. Identifiers: Orphanet 140162, MedGen C0027672, MeSH D009386, MONDO:0015356.

Submission:

Ambry Genetics
Classification: Uncertain significance for Hereditary cancer-predisposing syndrome. Last evaluated: 2024-08-30. Review status: criteria provided, single submitter. Criteria: Ambry Variant Classification Scheme 2023. Collection method: clinical testing. Allele origin: germline.
Comment: The p.S2242R variant (also known as c.6726T>G), located in coding exon 15 of the APC gene, results from a T to G substitution at nucleotide position 6726. The serine at codon 2242 is replaced by arginine, an amino acid with dissimilar properties. This amino acid position is conserved. In addition, in silico predictors for this gene do not accurately predict pathogenicity. Based on the available evidence, the clinical significance of this variant remains unclear.

NM_000038.6(APC):c.6726T>G (p.Ser2242Arg)

Gene: APC (APC regulator of Wnt signaling pathway; plus strand). Cytogenetic location: 5q22.2.
Variant type: single nucleotide variant.
Coding change: c.6726T>G on transcript NM_000038.6 (MANE Select); coding-DNA position 6726, T replaced by G.
Protein change: p.Ser2242Arg; replaces serine 2242 with arginine.
Molecular consequence: missense variant. On other transcripts: non-coding transcript variant (2).
Genome position (GRCh38, 1-based): chr5:112,842,320, T>G. VCF-style: chr5-112842320-T-G. GRCh37 (hg19) VCF-style: chr5-112178017-T-G.
Other names: c.6726T>G, p.Ser2242Arg (NM_001127510.3, NM_001354895.2, NM_001407450.1); c.6672T>G, p.Ser2224Arg (NM_001127511.3); c.6780T>G, p.Ser2260Arg (NM_001354896.2, NM_001407447.1, NM_001407448.1 and 1 more transcripts); c.6756T>G, p.Ser2252Arg (NM_001354897.2); c.6651T>G, p.Ser2217Arg (NM_001354898.2); c.6642T>G, p.Ser2214Arg (NM_001354899.2); c.6603T>G, p.Ser2201Arg (NM_001354900.2); c.6549T>G, p.Ser2183Arg (NM_001354901.2, NM_001407453.1); and 11 more; short protein forms S2113R, S2116R, S2141R, S2159R, S2214R, S2242R, S2183R, S2201R.
Identifiers: ClinVar variation 3410656 (VCV003410656.1).